The following is an entry in ClinVar:

ClinVar aggregate classification (germline): Pathogenic/Likely pathogenic. Review status: criteria provided, multiple submitters, no conflicts (2 of 4 stars). 2 submissions from 2 submitters: Pathogenic (1); Likely pathogenic (1). Last evaluated 2021-10-07.

Conditions:
SLC25A46-related disorder. Also called: SLC25A46-related condition.
Neuropathy, hereditary motor and sensory, type 6B (HMSN6B). Also called: Neuropathy, hereditary motor and sensory, type VIB; HMSN VIB; CHARCOT-MARIE-TOOTH DISEASE, TYPE 6B; NEUROPATHY, HEREDITARY MOTOR AND SENSORY, TYPE VIB, WITH OPTIC ATROPHY. Identifiers: MedGen C4225302, MONDO:0014671, OMIM 616505.

Submissions (2):

Blueprint Genetics
Classification: Likely pathogenic for SLC25A46-related disorders. Last evaluated: 2021-10-07. Review status: criteria provided, single submitter. Criteria: ACMG Guidelines, 2015. Collection method: clinical testing. Allele origin: germline. Affected: yes. Observed: 2 variant alleles.

Labcorp Genetics (formerly Invitae), Labcorp
Classification: Pathogenic for Neuropathy, hereditary motor and sensory, type 6B. Last evaluated: 2018-08-26. Review status: criteria provided, single submitter. Criteria: Invitae Variant Classification Sherloc (09022015). Collection method: clinical testing. Allele origin: germline.
Comment: Loss-of-function variants in SLC25A46 are known to be pathogenic (PMID: 26168012, 26951855, 27543974). This sequence change creates a premature translational stop signal (p.Gly16Valfs*28) in the SLC25A46 gene. It is expected to result in an absent or disrupted protein product. This variant is not present in population databases (ExAC no frequency). This variant has not been reported in the literature in individuals with SLC25A46-related disease. For these reasons, this variant has been classified as Pathogenic.

Literature cited by the submitters: PubMed 26168012 (cited by Labcorp Genetics (formerly Invitae), Labcorp); PubMed 26951855 (cited by Labcorp Genetics (formerly Invitae), Labcorp); PubMed 27543974 (cited by Labcorp Genetics (formerly Invitae), Labcorp).

NM_138773.4(SLC25A46):c.47del (p.Gly16fs)

Gene: SLC25A46 (solute carrier family 25 member 46; plus strand). Cytogenetic location: 5q22.1.
Variant type: Deletion.
Coding change: c.47del on transcript NM_138773.4 (MANE Select); coding-DNA position 47, one base deleted (G; older notation c.47delG).
Protein change: p.Gly16fs; shifts the reading frame from glycine 16.
Molecular consequence: frameshift variant. On other transcripts: non-coding transcript variant (1), intron variant (1).
Genome position (GRCh38, 1-based): chr5:110,739,166, G deleted; the last of 4 consecutive G bases (chr5:110,739,163-110,739,166); deleting any one gives the same sequence. VCF-style (leftmost placement, unchanged base first): chr5-110739162-CG-C. GRCh37 (hg19) VCF-style: chr5-110074863-CG-C.
Other names: c.47del, p.Gly16fs (NM_001303249.3); c.10+919del (NM_001303250.3); short protein forms G16fs.
Identifiers: ClinVar variation 655776 (VCV000655776.8), dbSNP rs1580849841, ClinGen allele CA915943507.